The following is an entry in ClinVar:

NM_000088.4(COL1A1):c.3371G>A (p.Gly1124Asp)

Gene: COL1A1 (collagen type I alpha 1 chain; minus strand). Cytogenetic location: 17q21.33.
Variant type: single nucleotide variant.
Coding change: c.3371G>A on transcript NM_000088.4 (MANE Select); coding-DNA position 3371, G replaced by A.
Protein change: p.Gly1124Asp; replaces glycine 1124 with aspartic acid.
Molecular consequence: missense variant.
Genome position (GRCh38, 1-based): chr17:50,187,536, C>T on the plus strand (G>A on the coding strand, the complement: COL1A1 is on the minus strand). VCF-style: chr17-50187536-C-T. GRCh37 (hg19) VCF-style: chr17-48264897-C-T.
Other names: short protein forms G1124D.
Identifiers: ClinVar variation 2538173 (VCV002538173.2), dbSNP rs2509170044, ClinGen allele CA400199400.
Genomic context (GRCh38, chr17:50,187,536, plus strand): 5'-TGACTTACTCGGGGACCAGCAGGACCAGAGGCTCCAGAGGGACCTTGTTCACCAGGAGAG[C>T]CCTGAAGGACAGATAAAAAAGGCAGTTCAGGCCCAGTGAGCGTCAAATGTAGCCTGAGGG-3'
Protein context (NP_000079.2, residues 1114-1134): SGLQGPPGPP[Gly1124Asp]SPGEQGPSGA

ClinVar aggregate classification (germline): Likely pathogenic (1 of 4 stars; one submission).

Conditions:
Cardiovascular phenotype. Identifiers: MedGen CN230736.

Submission:

Ambry Genetics
Classification: Likely pathogenic for Cardiovascular phenotype. Last evaluated: 2023-05-18. Review status: criteria provided, single submitter. Criteria: Ambry Variant Classification Scheme 2023. Collection method: clinical testing. Allele origin: germline.
Comment: The c.3371G>A (p.G1124D) alteration is located in exon 46 (coding exon 46) of the COL1A1 gene. This alteration results from a G to A substitution at nucleotide position 3371, causing the glycine (G) at amino acid position 1124 to be replaced by an aspartic acid (D). This variant was not reported in population-based cohorts in the Genome Aggregation Database (gnomAD). This amino acid position is highly conserved in available vertebrate species. The majority of pathogenic mutations identified to date in COL1A1 have involved the substitution of another amino acid for glycine within the triple-helical domain (Dalgleish, 1997; Marini, 2007; Bardai, 2016). Internal structural analysis indicates that this alteration disrupts the characteristic G-X-Y motif in the COL1A1 protein and inserts a bulky side chain into a sterically-constrained region (Bella, 1994; Hohenester, 2008; Ambry internal data). This alteration is predicted to be deleterious by in silico analysis. Based on the available evidence, this alteration is classified as likely pathogenic.

Literature cited by the submitters: PubMed 7695699; PubMed 9016532; PubMed 9724608; PubMed 17078022; PubMed 19011090; PubMed 27509835.